The following is an entry in ClinVar:

NM_005343.4(HRAS):c.559G>A (p.Val187Met)

Genes: LRRC56 (leucine rich repeat containing 56; plus strand), HRAS (HRas proto-oncogene, GTPase; minus strand). Cytogenetic location: 11p15.5.
Variant type: single nucleotide variant.
Coding change: c.559G>A on transcript NM_005343.4 (MANE Select); coding-DNA position 559, G replaced by A.
Protein change: p.Val187Met; replaces valine 187 with methionine.
Molecular consequence: missense variant. On other transcripts: 3 prime UTR variant (1).
Genome position (GRCh38, 1-based): chr11:532,647, C>T on the plus strand (G>A on the coding strand, the complement: HRAS is on the minus strand). VCF-style: chr11-532647-C-T. GRCh37 (hg19) VCF-style: chr11-532647-C-T.
Other names: c.559G>A, p.Val187Met (NM_001130442.3); c.322G>A, p.Val108Met (NM_001318054.2); c.*128G>A (NM_176795.5); short protein forms V108M, V187M.
Identifiers: ClinVar variation 1713318 (VCV001713318.6), dbSNP rs2539783676, ClinGen allele CA378920877.

ClinVar aggregate classification (germline): Uncertain significance (1 of 4 stars; one submission).

Conditions:
Costello syndrome (CSTLO). Also called: FACIOCUTANEOSKELETAL SYNDROME; HRAS-Related Costello Syndrome; FCS SYNDROME. Identifiers: Orphanet 3071, MedGen C0587248, MONDO:0009026, OMIM 218040.

Allele frequency attached by ClinVar (database versions not stated): gnomAD exomes below 0.00001.
gnomAD v4.1: 2 of 1,612,200 alleles (0.00012%); highest among the groups gnomAD compares: Non-Finnish European, 0.000085%; no homozygotes.

Submission:

Labcorp Genetics (formerly Invitae), Labcorp
Classification: Uncertain significance for Costello syndrome. Last evaluated: 2023-05-22. Review status: criteria provided, single submitter. Criteria: Invitae Variant Classification Sherloc (09022015). Collection method: clinical testing. Allele origin: germline.
Comment: In summary, the available evidence is currently insufficient to determine the role of this variant in disease. Therefore, it has been classified as a Variant of Uncertain Significance. Advanced modeling of protein sequence and biophysical properties (such as structural, functional, and spatial information, amino acid conservation, physicochemical variation, residue mobility, and thermodynamic stability) performed at Invitae indicates that this missense variant is not expected to disrupt HRAS protein function. ClinVar contains an entry for this variant (Variation ID: 1713318). This variant has not been reported in the literature in individuals affected with HRAS-related conditions. This variant is not present in population databases (gnomAD no frequency). This sequence change replaces valine, which is neutral and non-polar, with methionine, which is neutral and non-polar, at codon 187 of the HRAS protein (p.Val187Met).